The following is an entry in ClinVar:

ClinVar aggregate classification (germline): Pathogenic/Likely pathogenic. Review status: criteria provided, multiple submitters, no conflicts (2 of 4 stars). 3 submissions from 3 submitters: Pathogenic (1); Likely pathogenic (2). Last evaluated 2024-05-06.

Conditions:
Achondrogenesis, type IB (ACG1B). Also called: Achondrogenesis Type 1B. Identifiers: Orphanet 932, Orphanet 93298, MedGen C0265274, MONDO:0010966, OMIM 600972.
Multiple epiphyseal dysplasia type 4 (EDM4). Also called: MULTIPLE EPIPHYSEAL DYSPLASIA WITH BILAYERED PATELLAE; MULTIPLE EPIPHYSEAL DYSPLASIA WITH CLUBFOOT; MULTIPLE EPIPHYSEAL DYSPLASIA, AUTOSOMAL RECESSIVE; Multiple Epiphyseal Dysplasia, Recessive; SLC26A2-Related Multiple Epiphyseal Dysplasia. Identifiers: Orphanet 93307, MedGen C1847593, MONDO:0009189, OMIM 226900.
Atelosteogenesis type II (AO2). Also called: NEONATAL OSSEOUS DYSPLASIA I; SLC26A2-Related Atelosteogenesis; Neonatal osseous dysplasia 1. Identifiers: Orphanet 56304, MedGen C1850554, MONDO:0009727, OMIM 256050.
Diastrophic dysplasia (DTD). Also called: Diastrophic dwarfism. Identifiers: Orphanet 628, MedGen C0220726, MONDO:0009107, OMIM 222600.

Submissions (3):

Fulgent Genetics
Classification: Likely pathogenic for Diastrophic dysplasia; Multiple epiphyseal dysplasia type 4; Atelosteogenesis type II; Achondrogenesis, type IB. Last evaluated: 2024-05-06. Review status: criteria provided, single submitter. Criteria: ACMG Guidelines, 2015. Collection method: clinical testing. Allele origin: germline.

Baylor Genetics
Classification: Likely pathogenic for Achondrogenesis, type IB. Last evaluated: 2023-11-04. Review status: criteria provided, single submitter. Criteria: ACMG Guidelines, 2015. Collection method: clinical testing. Allele origin: unknown.

Labcorp Genetics (formerly Invitae), Labcorp
Classification: Pathogenic for Atelosteogenesis type II; Multiple epiphyseal dysplasia type 4; Achondrogenesis, type IB; Diastrophic dysplasia. Last evaluated: 2020-07-19. Review status: criteria provided, single submitter. Criteria: Invitae Variant Classification Sherloc (09022015). Collection method: clinical testing. Allele origin: germline.
Comment: For these reasons, this variant has been classified as Pathogenic. This variant disrupts the C-terminus of the SLC26A2 protein. Other variant(s) that disrupt this region (p.Lys575Serfs*10) have been determined to be pathogenic (PMID: 7923357, 8528239, 8571951, Invitae). This suggests that variants that disrupt this region of the protein are likely to be causative of disease. This variant has not been reported in the literature in individuals with SLC26A2-related conditions. This variant is not present in population databases (ExAC no frequency). This sequence change results in a premature translational stop signal in the SLC26A2 gene (p.Leu572Phefs*13). While this is not anticipated to result in nonsense mediated decay, it is expected to disrupt the last 168 amino acids of the SLC26A2 protein.

Literature cited by the submitters: PubMed 7923357 (cited by Labcorp Genetics (formerly Invitae), Labcorp); PubMed 8528239 (cited by Labcorp Genetics (formerly Invitae), Labcorp); PubMed 8571951 (cited by Labcorp Genetics (formerly Invitae), Labcorp).

NM_000112.4(SLC26A2):c.1714del (p.Leu572fs)

Gene: SLC26A2 (solute carrier family 26 member 2; plus strand). Cytogenetic location: 5q32.
Variant type: Deletion.
Coding change: c.1714del on transcript NM_000112.4 (MANE Select); coding-DNA position 1714, one base deleted (C; older notation c.1714delC).
Protein change: p.Leu572fs; shifts the reading frame from leucine 572.
Molecular consequence: frameshift variant.
Genome position (GRCh38, 1-based): chr5:149,981,307, C deleted; the last of 2 consecutive C bases (chr5:149,981,306-149,981,307); deleting either gives the same sequence. VCF-style (leftmost placement, unchanged base first): chr5-149981305-AC-A. GRCh37 (hg19) VCF-style: chr5-149360868-AC-A.
Other names: short protein forms L572fs.
Identifiers: ClinVar variation 1070109 (VCV001070109.11), dbSNP rs2113699101, ClinGen allele CA2499217724.